The following is an entry in ClinVar:

GRCh37/hg19 9p23(chr9:14088188-14102587)x1

Gene: NFIB (nuclear factor I B; minus strand). Cytogenetic location: 9p23.
Variant type: copy number loss.
Change: copy number 1 (one copy instead of two) of chr9:14,088,188-14,102,587 (14.4 kb, GRCh37 coordinates, 1-based), cytogenetic band 9p23.
Identifiers: ClinVar variation 3338460 (VCV003338460.1).

ClinVar aggregate classification (germline): Likely pathogenic (0 of 4 stars; one submission).

Conditions:
Macrocephaly, acquired, with impaired intellectual development. Also called: MACROCEPHALY, ACQUIRED, WITH MENTAL RETARDATION. Identifiers: MedGen C4748993, MONDO:0032658, OMIM 618286.

Submission:

Solve-RD Consortium
Classification: Likely pathogenic for Macrocephaly, acquired, with impaired intellectual development. Last evaluated: 2024-06-01. Review status: no assertion criteria provided. Collection method: provider interpretation. Allele origin: de novo. Affected: yes.
Comment: This CNV was confirmed by the submitting clinician to impact a gene that corresponds with the phenotype of the affected individual, and thus deemed to be causative for their condition.

Literature cited by the submitters: PubMed 39825153.